The following is an entry in ClinVar:

ClinVar aggregate classification (germline): Uncertain significance (1 of 4 stars; one submission).

gnomAD v4.1: 6 of 1,611,986 alleles (0.00037%); highest among the groups gnomAD compares: South Asian, 0.0066%; 1 homozygote.

Submission:

Labcorp Genetics (formerly Invitae), Labcorp
Classification: Uncertain significance. Last evaluated: 2022-08-31. Review status: criteria provided, single submitter. Criteria: Invitae Variant Classification Sherloc (09022015). Collection method: clinical testing. Allele origin: germline.
Comment: This sequence change replaces leucine, which is neutral and non-polar, with valine, which is neutral and non-polar, at codon 1412 of the MYO7A protein (p.Leu1412Val). This variant is not present in population databases (gnomAD no frequency). This variant has not been reported in the literature in individuals affected with MYO7A-related conditions. ClinVar contains an entry for this variant (Variation ID: 1359320). Advanced modeling of protein sequence and biophysical properties (such as structural, functional, and spatial information, amino acid conservation, physicochemical variation, residue mobility, and thermodynamic stability) performed at Invitae indicates that this missense variant is not expected to disrupt MYO7A protein function. In summary, the available evidence is currently insufficient to determine the role of this variant in disease. Therefore, it has been classified as a Variant of Uncertain Significance.

NM_000260.4(MYO7A):c.4234C>G (p.Leu1412Val)

Gene: MYO7A (myosin VIIA; plus strand). Cytogenetic location: 11q13.5.
Variant type: single nucleotide variant.
Coding change: c.4234C>G on transcript NM_000260.4 (MANE Select); coding-DNA position 4234, C replaced by G.
Protein change: p.Leu1412Val; replaces leucine 1412 with valine.
Molecular consequence: missense variant.
Genome position (GRCh38, 1-based): chr11:77,194,435, C>G. VCF-style: chr11-77194435-C-G. GRCh37 (hg19) VCF-style: chr11-76905480-C-G.
Other names: c.4234C>G, p.Leu1412Val (NM_001127180.2); c.4201C>G, p.Leu1401Val (NM_001369365.1); short protein forms L1401V, L1412V.
Identifiers: ClinVar variation 1359320 (VCV001359320.5), dbSNP rs1457336577, ClinGen allele CA381949242.
Genomic context (GRCh38, chr11:77,194,435, plus strand): 5'-GCCTCCCAGCAGTACTTTGTAGACTATGGCTCTGAGATGATCCTGGAGCGCCTCCTGAAC[C>G]TCGTGCCCACCTACATCCCCGACCGCGAGATCACGCCCCTGAAGACGCTGGAGAAGTGGG-3'
Protein context (NP_000251.3, residues 1402-1422): SEMILERLLN[Leu1412Val]VPTYIPDREI